The following is an entry in ClinVar:

NC_000017.10:g.(?_29553433)_(29624377_?)del

Genes: NF1 (neurofibromin 1; plus strand), OMG (oligodendrocyte myelin glycoprotein; minus strand). Cytogenetic location: 17q11.2.
Variant type: Deletion.
Identifiers: ClinVar variation 3242857 (VCV003242857.1).

ClinVar aggregate classification (germline): Pathogenic (1 of 4 stars; one submission).

Conditions:
Neurofibromatosis, type 1 (NF1). Also called: VON RECKLINGHAUSEN DISEASE; Neurofibromatosis, type I; Peripheral type neurofibromatosis; NEUROFIBROMATOSIS, TYPE I, SOMATIC. Identifiers: Orphanet 636, MedGen C0027831, MONDO:0018975, OMIM 162200. Disease mechanism: loss of function.

Submission:

Labcorp Genetics (formerly Invitae), Labcorp
Classification: Pathogenic for Neurofibromatosis, type 1. Last evaluated: 2022-12-02. Review status: criteria provided, single submitter. Criteria: Invitae Variant Classification Sherloc (09022015). Collection method: clinical testing. Allele origin: unknown.
Comment: For these reasons, this variant has been classified as Pathogenic. This variant has not been reported in the literature in individuals affected with NF1-related conditions. This variant is a gross deletion of the genomic region encompassing exon(s) 18-35 of the NF1 gene. This deletion is out-of-frame, and is expected to create a premature termination codon and result in an absent or disrupted protein product. Loss-of-function variants in NF1 are known to be pathogenic (PMID: 10712197, 23913538).

Literature cited by the submitters: PubMed 10712197; PubMed 23913538.